The following is an entry in ClinVar:

NM_022765.4(MICAL1):c.2815G>C (p.Glu939Gln)

Gene: MICAL1 (microtubule associated monooxygenase, calponin and LIM domain containing 1; minus strand). Cytogenetic location: 6q21.
Variant type: single nucleotide variant.
Coding change: c.2815G>C on transcript NM_022765.4 (MANE Select); coding-DNA position 2815, G replaced by C.
Protein change: p.Glu939Gln; replaces glutamic acid 939 with glutamine.
Molecular consequence: missense variant.
Genome position (GRCh38, 1-based): chr6:109,445,263, C>G on the plus strand (G>C on the coding strand, the complement: MICAL1 is on the minus strand). VCF-style: chr6-109445263-C-G. GRCh37 (hg19) VCF-style: chr6-109766466-C-G.
Other names: c.2557G>C, p.Glu853Gln (NM_001159291.2); c.2872G>C, p.Glu958Gln (NM_001286613.2); short protein forms E939Q, E853Q, E958Q.
Identifiers: ClinVar variation 1914071 (VCV001914071.5), dbSNP rs772927131, ClinGen allele CA3952736.
Genomic context (GRCh38, chr6:109,445,263, plus strand): 5'-GGCGCCTCAAGGCCAGCTCCAGCTTCACGCCCTCGGCCTCTAGCTCCCTCAAGGCAGCCT[C>G]AATCTCATTTAGTCGCCGTTGGATGGTCTGAGGGGTACAAGACAGAATATCCAGGAGTCT-3'
Protein context (NP_073602.3, residues 929-949): QTIQRRLNEI[Glu939Gln]AALRELEAEG

ClinVar aggregate classification (germline): Uncertain significance (1 of 4 stars; one submission).

Allele frequency attached by ClinVar (database versions not stated): gnomAD exomes below 0.00001; ExAC 0.00001; TOPMed 0.00001; gnomAD 0.00003.
gnomAD v4.1: 7 of 1,614,018 alleles (0.00043%); highest among the groups gnomAD compares: African/African-American, 0.0067%; no homozygotes.

Submission:

Labcorp Genetics (formerly Invitae), Labcorp
Classification: Uncertain significance. Last evaluated: 2022-06-08. Review status: criteria provided, single submitter. Criteria: Invitae Variant Classification Sherloc (09022015). Collection method: clinical testing. Allele origin: germline.
Comment: In summary, the available evidence is currently insufficient to determine the role of this variant in disease. Therefore, it has been classified as a Variant of Uncertain Significance. Algorithms developed to predict the effect of missense changes on protein structure and function are either unavailable or do not agree on the potential impact of this missense change (SIFT: "Deleterious"; PolyPhen-2: "Probably Damaging"; Align-GVGD: "Class C0"). This variant has not been reported in the literature in individuals affected with MICAL1-related conditions. This variant is present in population databases (rs772927131, gnomAD 0.008%). This sequence change replaces glutamic acid, which is acidic and polar, with glutamine, which is neutral and polar, at codon 958 of the MICAL1 protein (p.Glu958Gln).